The following is an entry in ClinVar:

NM_014915.3(ANKRD26):c.1987C>A (p.Pro663Thr)

Gene: ANKRD26 (ankyrin repeat domain containing 26; minus strand). Cytogenetic location: 10p12.1.
Variant type: single nucleotide variant.
Coding change: c.1987C>A on transcript NM_014915.3 (MANE Select); coding-DNA position 1987, C replaced by A.
Protein change: p.Pro663Thr; replaces proline 663 with threonine.
Molecular consequence: missense variant.
Genome position (GRCh38, 1-based): chr10:27,044,189, G>T on the plus strand (C>A on the coding strand, the complement: ANKRD26 is on the minus strand). VCF-style: chr10-27044189-G-T. GRCh37 (hg19) VCF-style: chr10-27333118-G-T.
Other names: c.1984C>A, p.Pro662Thr (NM_001256053.2); short protein forms P663T, P662T.
Identifiers: ClinVar variation 3396582 (VCV003396582.1).

ClinVar aggregate classification (germline): Uncertain significance (1 of 4 stars; one submission).

Conditions:
Inborn genetic diseases. Identifiers: MedGen C0950123, MeSH D030342.

Submission:

Ambry Genetics
Classification: Uncertain significance for Inborn genetic diseases. Last evaluated: 2024-11-22. Review status: criteria provided, single submitter. Criteria: Ambry Variant Classification Scheme 2023. Collection method: clinical testing. Allele origin: germline.
Comment: The p.P663T variant (also known as c.1987C>A), located in coding exon 19 of the ANKRD26 gene, results from a C to A substitution at nucleotide position 1987. The proline at codon 663 is replaced by threonine, an amino acid with highly similar properties. This amino acid position is conserved. In addition, this alteration is predicted to be tolerated by in silico analysis. Based on the available evidence, the clinical significance of this variant remains unclear.